The following is an entry in ClinVar:

ClinVar aggregate classification (germline): Benign/Likely benign. Review status: criteria provided, multiple submitters, no conflicts (2 of 4 stars). 4 submissions from 4 submitters: Benign (2); Likely benign (2). Last evaluated 2026-01-01.

Allele frequency attached by ClinVar (database versions not stated): 1000 Genomes Project 30x 0.00172; 1000 Genomes Project 0.00200; TOPMed 0.00334; ESP Exome Variant Server 0.00382; gnomAD 0.00494 and 0.00499; gnomAD exomes 0.00541 and 0.00549; ExAC 0.00554.
gnomAD v4.1: 8,576 of 1,614,196 alleles (0.53%); highest among the groups gnomAD compares: Non-Finnish European, 0.54%; 36 homozygotes.

Submissions (16):

CeGaT Center for Human Genetics Tuebingen
Classification: Likely benign. Last evaluated: 2026-01-01. Review status: criteria provided, single submitter. Criteria: CeGaT Center For Human Genetics Tuebingen Variant Classification Criteria Version 2. Collection method: clinical testing. Allele origin: germline. Affected: yes. Observed: 6 variant alleles.
Comment: HTT: BP4, BS2

Labcorp Genetics (formerly Invitae), Labcorp
Classification: Benign. Last evaluated: 2025-10-03. Review status: criteria provided, single submitter. Criteria: Invitae Variant Classification Sherloc (09022015). Collection method: clinical testing. Allele origin: germline.

Blueprint Genetics
Classification: Likely benign. Last evaluated: 2024-11-26. Review status: criteria provided, single submitter. Criteria: ACMG Guidelines, 2015. Collection method: clinical testing. Allele origin: germline.

Breakthrough Genomics
Classification: Benign. Review status: criteria provided, single submitter. Criteria: ACMG Guidelines, 2015. Collection method: not provided. Allele origin: germline. Inheritance: Autosomal recessive inheritance. Affected: yes.

Dr. Peter K. Rogan Lab, Western University
No classification provided (evidence only). Condition: Lung cancer. Review status: no classification provided. Collection method: in vitro. Allele origin: not applicable. Functional consequence: retained intron. Not counted in ClinVar's aggregate classification.

Dr. Peter K. Rogan Lab, Western University
No classification provided (evidence only). Condition: Familial cancer of breast. Review status: no classification provided. Collection method: in vitro. Allele origin: not applicable. Functional consequence: retained intron. Not counted in ClinVar's aggregate classification.

Dr. Peter K. Rogan Lab, Western University
No classification provided (evidence only). Condition: Colorectal cancer. Review status: no classification provided. Collection method: in vitro. Allele origin: not applicable. Functional consequence: retained intron. Not counted in ClinVar's aggregate classification.

Dr. Peter K. Rogan Lab, Western University
No classification provided (evidence only). Condition: Cervical cancer. Review status: no classification provided. Collection method: in vitro. Allele origin: not applicable. Functional consequence: retained intron. Not counted in ClinVar's aggregate classification.

Dr. Peter K. Rogan Lab, Western University
No classification provided (evidence only). Condition: Cervical cancer. Review status: no classification provided. Collection method: in vitro. Allele origin: not applicable. Functional consequence: retained intron. Not counted in ClinVar's aggregate classification.

Dr. Peter K. Rogan Lab, Western University
No classification provided (evidence only). Condition: Cholangiocarcinoma. Review status: no classification provided. Collection method: in vitro. Allele origin: not applicable. Functional consequence: retained intron. Not counted in ClinVar's aggregate classification.

Dr. Peter K. Rogan Lab, Western University
No classification provided (evidence only). Condition: Ovarian serous cystadenocarcinoma. Review status: no classification provided. Collection method: in vitro. Allele origin: not applicable. Functional consequence: retained intron. Not counted in ClinVar's aggregate classification.

Dr. Peter K. Rogan Lab, Western University
No classification provided (evidence only). Condition: Ovarian serous cystadenocarcinoma. Review status: no classification provided. Collection method: in vitro. Allele origin: not applicable. Functional consequence: retained intron. Not counted in ClinVar's aggregate classification.

Dr. Peter K. Rogan Lab, Western University
No classification provided (evidence only). Condition: Gastric cancer. Review status: no classification provided. Collection method: in vitro. Allele origin: not applicable. Functional consequence: retained intron. Not counted in ClinVar's aggregate classification.

Dr. Peter K. Rogan Lab, Western University
No classification provided (evidence only). Condition: Gastric cancer. Review status: no classification provided. Collection method: in vitro. Allele origin: not applicable. Functional consequence: retained intron. Not counted in ClinVar's aggregate classification.

Dr. Peter K. Rogan Lab, Western University
No classification provided (evidence only). Condition: Malignant tumor of esophagus. Review status: no classification provided. Collection method: in vitro. Allele origin: not applicable. Functional consequence: retained intron. Not counted in ClinVar's aggregate classification.

Dr. Peter K. Rogan Lab, Western University
No classification provided (evidence only). Condition: Lymphoma. Review status: no classification provided. Collection method: in vitro. Allele origin: not applicable. Functional consequence: retained intron. Not counted in ClinVar's aggregate classification.

NM_001388492.1(HTT):c.6774+5G>A

Gene: HTT (huntingtin; plus strand). Cytogenetic location: 4p16.3.
Variant type: single nucleotide variant.
Coding change: c.6774+5G>A on transcript NM_001388492.1 (MANE Select); 5 bases into the intron after coding-DNA position 6774, G replaced by A.
Molecular consequence: intron variant.
Genome position (GRCh38, 1-based): chr4:3,212,714, G>A. VCF-style: chr4-3212714-G-A. GRCh37 (hg19) VCF-style: chr4-3214441-G-A.
Other names: c.6774+5G>A (NM_002111.8).
Identifiers: ClinVar variation 1583858 (VCV001583858.34), dbSNP rs193157701, ClinGen allele CA2825136.